The following is an entry in ClinVar:

ClinVar aggregate classification (germline): Conflicting classifications of pathogenicity. Review status: criteria provided, conflicting classifications (1 of 4 stars). 22 submissions from 22 submitters: Uncertain significance (16); Benign (1); Likely benign (1). 4 of the submissions do not count toward it. Last evaluated 2026-06-24.

Conditions:
PMS2-related disorder. Also called: PMS2-related condition.
Mismatch repair cancer syndrome 4. Identifiers: MedGen C5436817, MONDO:0030843, OMIM 619101.
Lynch syndrome 4 (LYNCH4). Also called: Hereditary non-polyposis colorectal cancer, type 4; Colorectal cancer, hereditary nonpolyposis, type 4. Identifiers: Orphanet 144, MedGen C1838333, MONDO:0013699, OMIM 614337. Disease mechanism: loss of function.
Hereditary nonpolyposis colorectal neoplasms. Identifiers: MedGen C0009405, MeSH D003123.
Hereditary cancer-predisposing syndrome. Also called: Tumor predisposition; Hereditary neoplastic syndrome; Hereditary Cancer Syndrome; Neoplastic Syndromes, Hereditary. Identifiers: Orphanet 140162, MedGen C0027672, MeSH D009386, MONDO:0015356.
Lynch syndrome. Identifiers: Orphanet 144, MedGen C4552100, MONDO:0005835. Disease mechanism: loss of function.
Malignant tumor of breast. Also called: Cancer breast; Malignant breast neoplasm. Identifiers: MedGen C0006142, MONDO:0007254. Disease mechanism: loss of function.

Allele frequency attached by ClinVar (database versions not stated): ExAC 0.00001; gnomAD exomes 0.00004; gnomAD 0.00005 and 0.00006; TOPMed 0.00006.

Submissions 1 to 13 of 22:

PreventionGenetics, part of Exact Sciences
Classification: Uncertain significance for PMS2-related condition. Last evaluated: 2026-06-24. Review status: criteria provided, single submitter. Criteria: ACMG Guidelines, 2015. Collection method: clinical testing. Allele origin: germline.
Comment: The PMS2 c.632G>A variant is predicted to result in the amino acid substitution p.Arg211Gln. This variant was reported in an individual with ovarian cancer (Kraus et al. 2017. PubMed ID: 27616075), in individuals with colon cancer and/or Lynch syndrome (Okkels et al. 2019. PubMed ID: 31433215; Wang et al. 2020. PubMed ID: 31992580), and in individuals with breast cancer (Breast Cancer Association Consortium et al. 2021. PubMed ID: 33471991; Lerner-Ellis et al. 2020. PubMed ID: 32885271). This variant has also been reported in unaffected control individuals in studies of biliary tract cancer (Table S2, Okawa et al. 2022. PubMed ID: 36243179) and breast cancer (Breast Cancer Association Consortium et al. 2021. PubMed ID: 33471991). This variant is reported in 0.0085% of alleles in individuals of European (Non-Finnish) descent in gnomAD and has conflicting interpretations in the ClinVar database ranging from uncertain to benign (Variation ID: 141683). At this time, the clinical significance of this variant is uncertain due to the absence of conclusive functional and genetic evidence.

Ambry Genetics
Classification: Likely benign for Hereditary cancer-predisposing syndrome. Last evaluated: 2026-02-06. Review status: criteria provided, single submitter. Criteria: Ambry Variant Classification Scheme 2023. Collection method: clinical testing. Allele origin: germline.

Labcorp Genetics (formerly Invitae), Labcorp
Classification: Benign for Hereditary nonpolyposis colorectal neoplasms. Last evaluated: 2026-02-03. Review status: criteria provided, single submitter. Criteria: Invitae Variant Classification Sherloc (09022015). Collection method: clinical testing. Allele origin: germline.

Quest Diagnostics Nichols Institute San Juan Capistrano
Classification: Uncertain significance. Last evaluated: 2025-09-10. Review status: criteria provided, single submitter. Criteria: Quest Diagnostics criteria. Collection method: clinical testing. Allele origin: unknown.
Comment: The PMS2 c.632G>A (p.Arg211Gln) variant has been reported in individuals with Lynch syndrome (PMIDs: 31992580 (2020), 31433215 (2019)), and breast cancer and/or ovarian cancer (PMIDs: 34359559 (2021), 33471991 (2021) see also LOVD, 32885271 (2021), 27616075 (2016)). This variant has also been identified in reportedly unaffected individuals (PMIDs: 36243179 (2022), 33471991 (2021) see also LOVD). The frequency of this variant in the general population (Genome Aggregation Database) is uninformative in the assessment of its pathogenicity. Analysis of this variant using bioinformatics tools for the prediction of the effect of amino acid changes on protein structure and function yielded predictions that this variant is benign. Based on the available information, we are unable to determine the clinical significance of this variant.

GeneDx
Classification: Uncertain significance. Last evaluated: 2025-08-13. Review status: criteria provided, single submitter. Criteria: GeneDx Variant Classification Process June 2021. Collection method: clinical testing. Allele origin: germline. Affected: yes.
Comment: Observed in individuals with a personal or family history including colorectal, ovarian, breast, and other cancers (PMID: 27616075, 31433215, 32628757, 31992580, 32885271); In silico analysis supports that this missense variant has a deleterious effect on protein structure/function; This variant is associated with the following publications: (PMID: 33471991, 31433215, 27499925, 27616075, 31992580, 32628757, 32885271, 36243179, 11574484)

Center for Genomic Medicine, Rigshospitalet, Copenhagen University Hospital
Classification: Uncertain significance. Last evaluated: 2025-03-04. Review status: criteria provided, single submitter. Criteria: ACMG Guidelines, 2015. Collection method: clinical testing. Allele origin: germline.

CeGaT Center for Human Genetics Tuebingen
Classification: Uncertain significance. Last evaluated: 2025-03-01. Review status: criteria provided, single submitter. Criteria: CeGaT Center For Human Genetics Tuebingen Variant Classification Criteria Version 2. Collection method: clinical testing. Allele origin: germline. Affected: yes. Observed: 2 variant alleles.
Comment: PMS2: PM2, PS4:Supporting, BP1, BS3:Supporting

Blueprint Genetics
Classification: Uncertain significance. Last evaluated: 2024-08-23. Review status: criteria provided, single submitter. Criteria: ACMG Guidelines, 2015. Collection method: clinical testing. Allele origin: germline.

Molecular Pathology, Peter Maccallum Cancer Centre
Classification: Uncertain significance for Lynch syndrome 4. Last evaluated: 2024-08-20. Review status: criteria provided, single submitter. Criteria: ACMG Guidelines, 2015. Collection method: clinical testing. Allele origin: germline. Inheritance: Autosomal dominant inheritance.

All of Us Research Program, National Institutes of Health
Classification: Uncertain significance for Lynch syndrome. Last evaluated: 2024-08-13. Review status: criteria provided, single submitter. Criteria: ACMG Guidelines, 2015. Collection method: clinical testing. Allele origin: germline. Inheritance: Autosomal dominant inheritance. Observed: 21 variant alleles, 21 heterozygotes.
Comment: This missense variant replaces arginine with glutamine at codon 211 of the PMS2 protein. Computational prediction suggests that this variant may not impact protein structure and function (internally defined REVEL score threshold <= 0.5, PMID: 27666373). To our knowledge, functional studies have not been reported for this variant. This variant has been reported in individuals affected with Lynch syndrome and ovarian cancer (PMID: 27616075, 31433215, 31992580, 32628757). This variant has also been reported in individuals affected with breast cancer (PMID: 32885271, 33471991, 34359559), as well as ten healthy controls in a breast cancer case-control study (PMID: 33471991). This variant has been identified in 12/282866 chromosomes in the general population by the Genome Aggregation Database (gnomAD). The available evidence is insufficient to determine the role of this variant in disease conclusively. Therefore, this variant is classified as a Variant of Uncertain Significance.

This study involves interpretation of variants in research participants for the purpose of population health screening. Participant phenotype was not available at the time of variant classification. Additional details can be found in publication PMID: 35346344, PMCID: PMC8962531

Fulgent Genetics
Classification: Uncertain significance for Lynch syndrome 4; Mismatch repair cancer syndrome 4. Last evaluated: 2024-06-18. Review status: criteria provided, single submitter. Criteria: ACMG Guidelines, 2015. Collection method: clinical testing. Allele origin: germline.

Color Diagnostics, LLC DBA Color Health
Classification: Uncertain significance for Hereditary cancer-predisposing syndrome. Last evaluated: 2024-04-15. Review status: criteria provided, single submitter. Criteria: ACMG Guidelines, 2015. Collection method: clinical testing. Allele origin: germline.
Comment: This missense variant replaces arginine with glutamine at codon 211 of the PMS2 protein. Computational prediction suggests that this variant may not impact protein structure and function (internally defined REVEL score threshold <= 0.5, PMID: 27666373). To our knowledge, functional studies have not been reported for this variant. This variant has been reported in individuals affected with Lynch syndrome and ovarian cancer (PMID: 27616075, 31433215, 31992580, 32628757). This variant has also been reported in individuals affected with breast cancer (PMID: 32885271, 33471991, 34359559), as well as ten healthy controls in a breast cancer case-control study (PMID: 33471991). This variant has been identified in 12/282866 chromosomes in the general population by the Genome Aggregation Database (gnomAD). The available evidence is insufficient to determine the role of this variant in disease conclusively. Therefore, this variant is classified as a Variant of Uncertain Significance.

Baylor Genetics
Classification: Uncertain significance for Lynch syndrome 4. Last evaluated: 2024-03-19. Review status: criteria provided, single submitter. Criteria: ACMG Guidelines, 2015. Collection method: clinical testing. Allele origin: unknown.

NM_000535.7(PMS2):c.632G>A (p.Arg211Gln)

Gene: PMS2 (PMS1 homolog 2, mismatch repair system component; minus strand). Cytogenetic location: 7p22.1.
Variant type: single nucleotide variant.
Coding change: c.632G>A on transcript NM_000535.7 (MANE Select); coding-DNA position 632, G replaced by A.
Protein change: p.Arg211Gln; replaces arginine 211 with glutamine.
Molecular consequence: missense variant. On other transcripts: 5 prime UTR variant (2), non-coding transcript variant (1), intron variant (1).
Genome position (GRCh38, 1-based): chr7:5,999,181, C>T on the plus strand (G>A on the coding strand, the complement: PMS2 is on the minus strand). VCF-style: chr7-5999181-C-T. GRCh37 (hg19) VCF-style: chr7-6038812-C-T.
Other names: p.R211Q:CGA>CAA; c.227G>A, p.Arg76Gln (NM_001322003.2, NM_001322004.2, NM_001322005.2 and 2 more transcripts); c.632G>A, p.Arg211Gln (NM_001322006.2, NM_001322014.2); c.314G>A, p.Arg105Gln (NM_001322007.2, NM_001322008.2); c.-302G>A (NM_001322011.2, NM_001322012.2); c.323G>A, p.Arg108Gln (NM_001322015.2); c.133-1758G>A (NM_001322013.2); short protein forms R211Q, R108Q, R105Q, R76Q.
Identifiers: ClinVar variation 141683 (VCV000141683.72), dbSNP rs587781934, ClinGen allele CA012455.